The following is an entry in ClinVar:

ClinVar aggregate classification (germline): Conflicting classifications of pathogenicity. Review status: criteria provided, conflicting classifications (1 of 4 stars). 3 submissions from 3 submitters: Uncertain significance (1); Likely benign (2). Last evaluated 2025-12-19.

Conditions:
Fetal akinesia deformation sequence 1 (FADS1). Also called: Pena-Shokeir syndrome type I; Fetal akinesia sequence. Identifiers: Orphanet 994, MedGen C1276035, MONDO:0100101, OMIM 208150, HP:0001989.
Congenital myasthenic syndrome 9. Also called: Myasthenic syndrome, congenital, 9, associated with acetylcholine receptor deficiency. Identifiers: Orphanet 590, MedGen C4225368, MONDO:0014587, OMIM 616325.

Allele frequency attached by ClinVar (database versions not stated): gnomAD exomes 0.00006 and 0.00011; ExAC 0.00014; 1000 Genomes Project 30x 0.00031; 1000 Genomes Project 0.00040; ESP Exome Variant Server 0.00067; gnomAD 0.00068 and 0.00072; TOPMed 0.00079.
gnomAD v4.1: 190 of 1,610,742 alleles (0.012%); highest among the groups gnomAD compares: African/African-American, 0.23%; no homozygotes.

Submissions (3):

Labcorp Genetics (formerly Invitae), Labcorp
Classification: Likely benign for Congenital myasthenic syndrome 9; Fetal akinesia deformation sequence 1. Last evaluated: 2025-12-19. Review status: criteria provided, single submitter. Criteria: Invitae Variant Classification Sherloc (09022015). Collection method: clinical testing. Allele origin: germline.

GeneDx
Classification: Likely benign. Last evaluated: 2018-04-13. Review status: criteria provided, single submitter. Criteria: GeneDx Variant Classification (06012015). Collection method: clinical testing. Allele origin: germline. Affected: yes.
Comment: This variant is considered likely benign or benign based on one or more of the following criteria: it is a conservative change, it occurs at a poorly conserved position in the protein, it is predicted to be benign by multiple in silico algorithms, and/or has population frequency not consistent with disease.

Illumina Laboratory Services, Illumina
Classification: Uncertain significance for Congenital myasthenic syndrome 9. Last evaluated: 2018-01-13. Review status: criteria provided, single submitter. Criteria: ICSL Variant Classification Criteria 13 December 2019. Collection method: clinical testing. Allele origin: germline.

NM_005592.4(MUSK):c.1779-7C>T

Gene: MUSK (muscle associated receptor tyrosine kinase; plus strand). Cytogenetic location: 9q31.3.
Variant type: single nucleotide variant.
Coding change: c.1779-7C>T on transcript NM_005592.4 (MANE Select); 7 bases into the intron before coding-DNA position 1779, C replaced by T.
Molecular consequence: intron variant.
Genome position (GRCh38, 1-based): chr9:110,787,683, C>T. VCF-style: chr9-110787683-C-T. GRCh37 (hg19) VCF-style: chr9-113549963-C-T.
Other names: c.1521-7C>T (NM_001166280.2); c.1491-7C>T (NM_001166281.2); c.519-7C>T (NM_001369398.1).
Identifiers: ClinVar variation 476134 (VCV000476134.15), dbSNP rs114362384, ClinGen allele CA5184471.